The following is an entry in ClinVar:

ClinVar aggregate classification (germline): Likely pathogenic (1 of 4 stars; one submission).

Conditions:
Joubert syndrome. Also called: CEREBELLOPARENCHYMAL DISORDER IV; JOUBERT-BOLTSHAUSER SYNDROME; Familial aplasia of the vermis. Identifiers: Orphanet 475, MedGen C5979921, MONDO:0018772.

Allele frequency attached by ClinVar (database versions not stated): gnomAD exomes below 0.00001; TOPMed 0.00003.

Submission:

Labcorp Genetics (formerly Invitae), Labcorp
Classification: Likely pathogenic for Joubert syndrome. Last evaluated: 2023-10-22. Review status: criteria provided, single submitter. Criteria: Invitae Variant Classification Sherloc (09022015). Collection method: clinical testing. Allele origin: germline.
Comment: This sequence change affects a splice site in intron 1 of the TMEM216 gene. It is expected to disrupt RNA splicing. Variants that disrupt the donor or acceptor splice site typically lead to a loss of protein function (PMID: 16199547), and loss-of-function variants in TMEM216 are known to be pathogenic (PMID: 20512146). This variant is present in population databases (no rsID available, gnomAD 0.004%). This variant has not been reported in the literature in individuals affected with TMEM216-related conditions. Algorithms developed to predict the effect of sequence changes on RNA splicing suggest that this variant may disrupt the consensus splice site. In summary, the currently available evidence indicates that the variant is pathogenic, but additional data are needed to prove that conclusively. Therefore, this variant has been classified as Likely Pathogenic.

Literature cited by the submitters: PubMed 16199547; PubMed 20512146.

NM_001173990.3(TMEM216):c.35-2_35-1insT

Gene: TMEM216 (transmembrane protein 216; plus strand). Cytogenetic location: 11q12.2.
Variant type: Insertion.
Coding change: c.35-2_35-1insT on transcript NM_001173990.3 (MANE Select); the canonical splice acceptor site of the intron before coding-DNA position 35, T inserted.
Molecular consequence: splice acceptor variant.
Genome position: GRCh38 VCF-style: chr11-61393229-A-AT. GRCh37 (hg19) VCF-style: chr11-61160701-A-AT.
Other names: c.-149-2_-149-1insT (NM_016499.6, NM_001330285.2); c.35-2_35-1insT (NM_001173991.3).
Identifiers: ClinVar variation 2767835 (VCV002767835.3), dbSNP rs1413884641, ClinGen allele CA599503230.
Genomic context (GRCh38, chr11:61,393,229, plus strand): 5'-CCATACGAGCAGAGAGGGAGCTGCCTTCCGGCCCATCCCACTTCTCTGTGCTCCTTTTTC[A>AT]GGTAAACGGTTGTCCTCCACCCCGCTGGAAATCCTGTTCTTTCTGAACGGGTGGTATAAT-3'